The following is an entry in ClinVar:

NM_006393.3(NEBL):c.2868+9C>T

Gene: NEBL (nebulette; minus strand). Cytogenetic location: 10p12.31.
Variant type: single nucleotide variant.
Coding change: c.2868+9C>T on transcript NM_006393.3 (MANE Select); 9 bases into the intron after coding-DNA position 2868, C replaced by T.
Molecular consequence: intron variant.
Genome position (GRCh38, 1-based): chr10:20,787,193, G>A on the plus strand (C>T on the coding strand, the complement: NEBL is on the minus strand). VCF-style: chr10-20787193-G-A. GRCh37 (hg19) VCF-style: chr10-21076122-G-A.
Other names: c.528+9C>T (NM_001377326.1, NM_001377327.1, NM_001377328.1); c.636+9C>T (NM_213569.2, NM_001173484.2); c.729+9C>T (NM_001377322.1); c.579+9C>T (NM_001377324.1); c.570+9C>T (NM_001377325.1); c.588+9C>T (NM_001377323.1).
Identifiers: ClinVar variation 384455 (VCV000384455.10), dbSNP rs377236750, ClinGen allele CA5432299.

ClinVar aggregate classification (germline): Likely benign. Review status: criteria provided, multiple submitters, no conflicts (2 of 4 stars). 2 submissions from 2 submitters: Likely benign (2). Last evaluated 2025-12-07.

Conditions:
Primary dilated cardiomyopathy (DCM). Also called: Dilated Cardiomyopathy. Identifiers: Orphanet 217604, MedGen C0007193, MeSH D002311, MONDO:0005021, HP:0001644. Inheritance: Various modes of inheritance.

Allele frequency attached by ClinVar (database versions not stated): gnomAD exomes 0.00001 and 0.00003; gnomAD 0.00014 and 0.00012; TOPMed 0.00021; ESP Exome Variant Server 0.00023; ExAC 0.00003.
gnomAD v4.1: 40 of 1,591,246 alleles (0.0025%); highest among the groups gnomAD compares: African/African-American, 0.047%; no homozygotes.

Submissions (2):

Labcorp Genetics (formerly Invitae), Labcorp
Classification: Likely benign for Primary dilated cardiomyopathy. Last evaluated: 2025-12-07. Review status: criteria provided, single submitter. Criteria: Invitae Variant Classification Sherloc (09022015). Collection method: clinical testing. Allele origin: germline.

GeneDx
Classification: Likely benign. Last evaluated: 2016-03-07. Review status: criteria provided, single submitter. Criteria: GeneDx Variant Classification (06012015). Collection method: clinical testing. Allele origin: germline. Affected: yes.
Comment: This variant is considered likely benign or benign based on one or more of the following criteria: it is a conservative change, it occurs at a poorly conserved position in the protein, it is predicted to be benign by multiple in silico algorithms, and/or has population frequency not consistent with disease.